The following is an entry in ClinVar:

NM_013382.7(POMT2):c.856C>T (p.Leu286Phe)

Gene: POMT2 (protein O-mannosyltransferase 2; minus strand). Cytogenetic location: 14q24.3.
Variant type: single nucleotide variant.
Coding change: c.856C>T on transcript NM_013382.7 (MANE Select); coding-DNA position 856, C replaced by T.
Protein change: p.Leu286Phe; replaces leucine 286 with phenylalanine.
Molecular consequence: missense variant.
Genome position (GRCh38, 1-based): chr14:77,299,522, G>A on the plus strand (C>T on the coding strand, the complement: POMT2 is on the minus strand). VCF-style: chr14-77299522-G-A. GRCh37 (hg19) VCF-style: chr14-77765865-G-A.
Other names: short protein forms L286F.
Identifiers: ClinVar variation 501800 (VCV000501800.12), dbSNP rs375363915, ClinGen allele CA7286058.

ClinVar aggregate classification (germline): Uncertain significance. Review status: criteria provided, multiple submitters, no conflicts (2 of 4 stars). 3 submissions from 3 submitters: Uncertain significance (3). Last evaluated 2022-02-24.

Conditions:
Muscular dystrophy-dystroglycanopathy (congenital with brain and eye anomalies), type A2. Also called: MUSCULAR DYSTROPHY-DYSTROGLYCANOPATHY (CONGENITAL WITH BRAIN AND EYE ANOMALIES), TYPE A, 2; WALKER-WARBURG SYNDROME OR MUSCLE-EYE-BRAIN DISEASE, POMT2-RELATED. Identifiers: Orphanet 588, Orphanet 899, MedGen C3150411, MONDO:0013154, OMIM 613150.
Muscular dystrophy-dystroglycanopathy (congenital with impaired intellectual development), type B, 2. Also called: Muscular dystrophy-dystroglycanopathy (congenital with intellectual disability), type B2; MUSCULAR DYSTROPHY, CONGENITAL, POMT2-RELATED. Identifiers: MedGen C3150416, MONDO:0013160, OMIM 613156.
Autosomal recessive limb-girdle muscular dystrophy type 2N. Also called: Muscular dystrophy-dystroglycanopathy (limb-girdle), type C, 2; MUSCULAR DYSTROPHY-DYSTROGLYCANOPATHY, LIMB-GIRDLE, POMT2-RELATED. Identifiers: Orphanet 206559, MedGen C3150418, MONDO:0013162, OMIM 613158.
Muscular dystrophy-dystroglycanopathy (congenital with brain and eye anomalies), type A1 (MDDGA1). Also called: COD-MD SYNDROME; Muscular dystrophy-dystroglycanopathy (congenital with brain and eye anomalies), type A, 1; WALKER-WARBURG SYNDROME OR MUSCLE-EYE-BRAIN DISEASE, POMT1-RELATED; Hydrocephalus, agyria and retinal dysplasia; Hard +/- E syndrome; Warburg syndrome. Identifiers: Orphanet 588, Orphanet 899, MedGen C4284790, MONDO:0009364, OMIM 236670.

Allele frequency attached by ClinVar (database versions not stated): TOPMed below 0.00001; ExAC 0.00002; gnomAD exomes 0.00001 and 0.00002; ESP Exome Variant Server 0.00008.
gnomAD v4.1: 9 of 1,614,178 alleles (0.00056%); highest among the groups gnomAD compares: Non-Finnish European, 0.00068%; no homozygotes.

Submissions (3):

Labcorp Genetics (formerly Invitae), Labcorp
Classification: Uncertain significance for Muscular dystrophy-dystroglycanopathy (congenital with impaired intellectual development), type B, 2; Muscular dystrophy-dystroglycanopathy (congenital with brain and eye anomalies), type A2; Autosomal recessive limb-girdle muscular dystrophy type 2N. Last evaluated: 2022-02-24. Review status: criteria provided, single submitter. Criteria: Invitae Variant Classification Sherloc (09022015). Collection method: clinical testing. Allele origin: germline.
Comment: In summary, the available evidence is currently insufficient to determine the role of this variant in disease. Therefore, it has been classified as a Variant of Uncertain Significance. Algorithms developed to predict the effect of missense changes on protein structure and function are either unavailable or do not agree on the potential impact of this missense change (SIFT: "Deleterious"; PolyPhen-2: "Probably Damaging"; Align-GVGD: "Class C15"). ClinVar contains an entry for this variant (Variation ID: 501800). This variant has not been reported in the literature in individuals affected with POMT2-related conditions. This variant is present in population databases (rs375363915, gnomAD 0.003%). This sequence change replaces leucine, which is neutral and non-polar, with phenylalanine, which is neutral and non-polar, at codon 286 of the POMT2 protein (p.Leu286Phe).

Fulgent Genetics
Classification: Uncertain significance for Muscular dystrophy-dystroglycanopathy (congenital with brain and eye anomalies), type A1; Muscular dystrophy-dystroglycanopathy (congenital with brain and eye anomalies), type A2; Muscular dystrophy-dystroglycanopathy (congenital with impaired intellectual development), type B, 2; Autosomal recessive limb-girdle muscular dystrophy type 2N. Last evaluated: 2021-07-28. Review status: criteria provided, single submitter. Criteria: ACMG Guidelines, 2015. Collection method: clinical testing. Allele origin: unknown.

Eurofins Ntd Llc (ga)
Classification: Uncertain significance. Last evaluated: 2017-05-03. Review status: criteria provided, single submitter. Criteria: EGL Classification Definitions 2015. Collection method: clinical testing. Allele origin: germline. Observed: 1 variant allele, 1 heterozygote.